The following is an entry in ClinVar:

ClinVar aggregate classification (germline): Uncertain significance. Review status: criteria provided, multiple submitters, no conflicts (2 of 4 stars). 2 submissions from 2 submitters: Uncertain significance (2). Last evaluated 2024-05-04.

Conditions:
Hereditary cancer-predisposing syndrome. Also called: Tumor predisposition; Hereditary neoplastic syndrome; Hereditary Cancer Syndrome; Neoplastic Syndromes, Hereditary. Identifiers: Orphanet 140162, MedGen C0027672, MeSH D009386, MONDO:0015356.

Submissions (2):

Color Diagnostics, LLC DBA Color Health
Classification: Uncertain significance for Hereditary cancer-predisposing syndrome. Last evaluated: 2024-05-04. Review status: criteria provided, single submitter. Criteria: ACMG Guidelines, 2015. Collection method: clinical testing. Allele origin: germline.
Comment: This missense variant replaces alanine with valine at codon 415 of the BAP1 protein. Computational prediction suggests that this variant may not impact protein structure and function (internally defined REVEL score threshold <= 0.5, PMID: 27666373). To our knowledge, functional studies have not been reported for this variant. This variant has not been reported in individuals affected with BAP1-related disorders in the literature. This variant has not been identified in the general population by the Genome Aggregation Database (gnomAD). The available evidence is insufficient to determine the role of this variant in disease conclusively. Therefore, this variant is classified as a Variant of Uncertain Significance.

Ambry Genetics
Classification: Uncertain significance for Hereditary cancer-predisposing syndrome. Last evaluated: 2024-01-21. Review status: criteria provided, single submitter. Criteria: Ambry Variant Classification Scheme 2023. Collection method: clinical testing. Allele origin: germline.
Comment: The p.A415V variant (also known as c.1244C>T), located in coding exon 12 of the BAP1 gene, results from a C to T substitution at nucleotide position 1244. The alanine at codon 415 is replaced by valine, an amino acid with similar properties. This amino acid position is conserved. In addition, this alteration is predicted to be tolerated by in silico analysis. Based on the available evidence, the clinical significance of this alteration remains unclear.

NM_004656.4(BAP1):c.1244C>T (p.Ala415Val)

Gene: BAP1 (BRCA1 associated deubiquitinase 1; minus strand). Cytogenetic location: 3p21.1.
Variant type: single nucleotide variant.
Coding change: c.1244C>T on transcript NM_004656.4 (MANE Select); coding-DNA position 1244, C replaced by T.
Protein change: p.Ala415Val; replaces alanine 415 with valine.
Molecular consequence: missense variant.
Genome position (GRCh38, 1-based): chr3:52,404,459, G>A on the plus strand (C>T on the coding strand, the complement: BAP1 is on the minus strand). VCF-style: chr3-52404459-G-A. GRCh37 (hg19) VCF-style: chr3-52438475-G-A.
Other names: c.1190C>T, p.Ala397Val (NM_001410772.1); short protein forms A397V, A415V.
Identifiers: ClinVar variation 3224427 (VCV003224427.2), dbSNP rs2153226826, ClinGen allele CA353102721.
Genomic context (GRCh38, chr3:52,404,459, plus strand): 5'-CAGGATGGGATCCGAAGCACCTAGAACCTGGTAGCCTTAGAAAGCTGGGCTGACCTAAGG[G>A]CAGAGTTGGTGTTCTGCACGTCATCCTCCTCGTCATCCTCATAGTCATCCTCATCATCTG-3'
Protein context (NP_004647.1, residues 405-425): EEDDVQNTNS[Ala415Val]LRYKGKGTGK